The following is an entry in ClinVar:

ClinVar aggregate classification (germline): Benign (0 of 4 stars; one submission).

Conditions:
AKR1C2-related disorder. Also called: AKR1C2-related condition.

Allele frequency attached by ClinVar (database versions not stated): gnomAD 0.00014; 1000 Genomes Project 30x 0.00016.

Submission:

PreventionGenetics, part of Exact Sciences
Classification: Benign for AKR1C2-related condition. Last evaluated: 2019-11-25. Review status: no assertion criteria provided. Collection method: clinical testing. Allele origin: germline.
Comment: This variant is classified as benign based on ACMG/AMP sequence variant interpretation guidelines (Richards et al. 2015 PMID: 25741868, with internal and published modifications).

NM_001393392.1(AKR1C2):c.772C>T (p.Arg258Cys)

Gene: AKR1C2 (aldo-keto reductase family 1 member C2; minus strand). Cytogenetic location: 10p15.1.
Variant type: single nucleotide variant.
Coding change: c.772C>T on transcript NM_001393392.1 (MANE Select); coding-DNA position 772, C replaced by T.
Protein change: p.Arg258Cys; replaces arginine 258 with cysteine.
Molecular consequence: missense variant.
Genome position (GRCh38, 1-based): chr10:4,995,393, G>A on the plus strand (C>T on the coding strand, the complement: AKR1C2 is on the minus strand). VCF-style: chr10-4995393-G-A. GRCh37 (hg19) VCF-style: chr10-5037585-G-A.
Other names: c.694C>T, p.Arg232Cys (NM_001321027.2); c.772C>T, p.Arg258Cys (NM_001354.6, NM_205845.3); short protein forms R232C, R258C.
Identifiers: ClinVar variation 3042249 (VCV003042249.2), dbSNP rs782195517, ClinGen allele CA5389944.
Genomic context (GRCh38, chr10:4,995,393, plus strand): 5'-TGATGCGCTGCTCATTGTAGCTCTTGGCCAGGACCACAACCCCACGCTGCAGCTGGTAGC[G>A]CAGGGCAATCAGGGCTGGGGTTCGCTTGTGCTTTTTTGCCAAGGCACAAAGGACTGGGTC-3'
Protein context (NP_001380321.1, residues 248-268): HKRTPALIAL[Arg258Cys]YQLQRGVVVL